The following is an entry in ClinVar:

NM_005188.4(CBL):c.393C>T (p.Ser131=)

Gene: CBL (Cbl proto-oncogene; plus strand). Cytogenetic location: 11q23.3.
Variant type: single nucleotide variant.
Coding change: c.393C>T on transcript NM_005188.4 (MANE Select); coding-DNA position 393, C replaced by T.
Protein change: p.Ser131=; no amino-acid change (serine 131 retained).
Molecular consequence: synonymous variant.
Genome position (GRCh38, 1-based): chr11:119,232,645, C>T. VCF-style: chr11-119232645-C-T. GRCh37 (hg19) VCF-style: chr11-119103355-C-T.
Identifiers: ClinVar variation 2642461 (VCV002642461.24), dbSNP rs773502403, ClinGen allele CA6318255.

ClinVar aggregate classification (germline): Likely benign (1 of 4 stars; one submission).

Allele frequency attached by ClinVar (database versions not stated): gnomAD exomes below 0.00001; ExAC 0.00001.
gnomAD v4.1: 2 of 1,613,650 alleles (0.00012%); highest among the groups gnomAD compares: Non-Finnish European, 0.00017%; no homozygotes.

Submission:

CeGaT Center for Human Genetics Tuebingen
Classification: Likely benign. Last evaluated: 2022-07-01. Review status: criteria provided, single submitter. Criteria: CeGaT Center For Human Genetics Tuebingen Variant Classification Criteria Version 2. Collection method: clinical testing. Allele origin: germline. Affected: yes. Observed: 1 variant allele.
Comment: CBL: BP4